The following is an entry in ClinVar:

ClinVar aggregate classification (germline): Uncertain significance (1 of 4 stars; one submission).

Submission:

Labcorp Genetics (formerly Invitae), Labcorp
Classification: Uncertain significance. Last evaluated: 2023-12-18. Review status: criteria provided, single submitter. Criteria: Invitae Variant Classification Sherloc (09022015). Collection method: clinical testing. Allele origin: germline.
Comment: This sequence change creates a premature translational stop signal (p.Glu314Lysfs*4) in the CYP7A1 gene. It is expected to result in an absent or disrupted protein product. However, the current clinical and genetic evidence is not sufficient to establish whether loss-of-function variants in CYP7A1 cause disease. This variant is not present in population databases (gnomAD no frequency). This variant has not been reported in the literature in individuals affected with CYP7A1-related conditions. In summary, the available evidence is currently insufficient to determine the role of this variant in disease. Therefore, it has been classified as a Variant of Uncertain Significance.

NM_000780.4(CYP7A1):c.940_946del (p.Glu314fs)

Gene: CYP7A1 (cytochrome P450 family 7 subfamily A member 1; minus strand). Cytogenetic location: 8q12.1.
Variant type: Deletion.
Coding change: c.940_946del on transcript NM_000780.4 (MANE Select); coding-DNA positions 940 to 946, 7 bases deleted (GAAGTGA; older notation c.940_946delGAAGTGA).
Protein change: p.Glu314fs; shifts the reading frame from glutamic acid 314.
Molecular consequence: frameshift variant.
Genome position (GRCh38, 1-based): chr8:58,494,599-58,494,605, TCACTTC deleted on the plus strand (GAAGTGA on the coding strand, the reverse complement: CYP7A1 is on the minus strand); deleting any 7 consecutive bases within chr8:58,494,599-58,494,606 gives the same sequence; the c. name uses the placement nearest the transcript's 3' end. VCF-style (leftmost placement, unchanged base first): chr8-58494598-TTCACTTC-T. GRCh37 (hg19) VCF-style: chr8-59407157-TTCACTTC-T.
Other names: short protein forms E314fs.
Identifiers: ClinVar variation 2728170 (VCV002728170.3), dbSNP rs2487033264, ClinGen allele CA2697549928.